The following is an entry in ClinVar:

ClinVar aggregate classification (germline): Uncertain significance (1 of 4 stars; one submission).

Allele frequency attached by ClinVar (database versions not stated): TOPMed below 0.00001; gnomAD exomes below 0.00001.
gnomAD v4.1: 2 of 1,614,236 alleles (0.00012%); highest among the groups gnomAD compares: Admixed American, 0.0033%; no homozygotes.

Submission:

Labcorp Genetics (formerly Invitae), Labcorp
Classification: Uncertain significance. Last evaluated: 2025-11-12. Review status: criteria provided, single submitter. Criteria: Invitae Variant Classification Sherloc (09022015). Collection method: clinical testing. Allele origin: germline.
Comment: This sequence change replaces tyrosine, which is neutral and polar, with cysteine, which is neutral and slightly polar, at codon 301 of the TNFRSF11A protein (p.Tyr301Cys). This variant is present in population databases (no rsID available, gnomAD 0.006%). This variant has not been reported in the literature in individuals affected with TNFRSF11A-related conditions. ClinVar contains an entry for this variant (Variation ID: 2721633). An algorithm developed to predict the effect of missense changes on protein structure and function outputs the following: PolyPhen-2: "Benign". The cysteine amino acid residue is found in multiple mammalian species, which suggests that this missense change does not adversely affect protein function. In summary, the available evidence is currently insufficient to determine the role of this variant in disease. Therefore, it has been classified as a Variant of Uncertain Significance.

NM_003839.4(TNFRSF11A):c.902A>G (p.Tyr301Cys)

Gene: TNFRSF11A (TNF receptor superfamily member 11a; plus strand). Cytogenetic location: 18q21.33.
Variant type: single nucleotide variant.
Coding change: c.902A>G on transcript NM_003839.4 (MANE Select); coding-DNA position 902, A replaced by G.
Protein change: p.Tyr301Cys; replaces tyrosine 301 with cysteine.
Molecular consequence: missense variant. On other transcripts: intron variant (3).
Genome position (GRCh38, 1-based): chr18:62,368,819, A>G. VCF-style: chr18-62368819-A-G. GRCh37 (hg19) VCF-style: chr18-60036052-A-G.
Other names: c.860A>G, p.Tyr287Cys (NM_001278268.2); c.783+2059A>G (NM_001270949.2); c.730+7026A>G (NM_001270950.2); c.616+8770A>G (NM_001270951.2); short protein forms Y287C, Y301C.
Identifiers: ClinVar variation 2721633 (VCV002721633.3), dbSNP rs577066104, ClinGen allele CA402616172.